The following is an entry in ClinVar:

ClinVar aggregate classification (germline): Likely benign (1 of 4 stars; one submission).

gnomAD v4.1: 54 of 1,612,804 alleles (0.0033%); highest among the groups gnomAD compares: Middle Eastern, 0.066%; no homozygotes.

Submission:

CeGaT Center for Human Genetics Tuebingen
Classification: Likely benign. Last evaluated: 2025-05-01. Review status: criteria provided, single submitter. Criteria: CeGaT Center For Human Genetics Tuebingen Variant Classification Criteria Version 2. Collection method: clinical testing. Allele origin: germline. Affected: yes. Observed: 1 variant allele.
Comment: DOCK4: BP4, BP7

NM_001363540.2(DOCK4):c.2625A>T (p.Ile875=)

Gene: DOCK4 (dedicator of cytokinesis 4; minus strand). Cytogenetic location: 7q31.1.
Variant type: single nucleotide variant.
Coding change: c.2625A>T on transcript NM_001363540.2 (MANE Select); coding-DNA position 2625, A replaced by T.
Protein change: p.Ile875=; no amino-acid change (isoleucine 875 retained).
Molecular consequence: synonymous variant.
Genome position (GRCh38, 1-based): chr7:111,844,874, T>A on the plus strand (A>T on the coding strand, the complement: DOCK4 is on the minus strand). VCF-style: chr7-111844874-T-A. GRCh37 (hg19) VCF-style: chr7-111484930-T-A.
Other names: c.2625A>T, p.Ile875= (NM_014705.4).
Identifiers: ClinVar variation 3905524 (VCV003905524.10).